The following is an entry in ClinVar:

ClinVar aggregate classification (germline): Uncertain significance (1 of 4 stars; one submission).

Submission:

Ambry Genetics
Classification: Uncertain significance. Last evaluated: 2024-02-29. Review status: criteria provided, single submitter. Criteria: Ambry Variant Classification Scheme 2023. Collection method: clinical testing. Allele origin: germline.
Comment: The p.T533A variant (also known as c.1597A>G), located in coding exon 8 of the PALLD gene, results from an A to G substitution at nucleotide position 1597. The threonine at codon 533 is replaced by alanine, an amino acid with similar properties. This amino acid position is conserved. In addition, this alteration is predicted to be tolerated by in silico analysis. Based on the available evidence, the clinical significance of this alteration remains unclear.

NM_001166108.2(PALLD):c.1597A>G (p.Thr533Ala)

Gene: PALLD (palladin, cytoskeletal associated protein; plus strand). Cytogenetic location: 4q32.3.
Variant type: single nucleotide variant.
Coding change: c.1597A>G on transcript NM_001166108.2 (MANE Select); coding-DNA position 1597, A replaced by G.
Protein change: p.Thr533Ala; replaces threonine 533 with alanine.
Molecular consequence: missense variant.
Genome position (GRCh38, 1-based): chr4:168,709,123, A>G. VCF-style: chr4-168709123-A-G. GRCh37 (hg19) VCF-style: chr4-169630274-A-G.
Other names: c.451A>G, p.Thr151Ala (NM_001166109.2); c.1597A>G, p.Thr533Ala (NM_016081.4); short protein forms T151A, T533A.
Identifiers: ClinVar variation 3226745 (VCV003226745.1), dbSNP rs796818962, ClinGen allele CA110496995.